The following is an entry in ClinVar:

ClinVar aggregate classification (germline): Likely pathogenic (1 of 4 stars; one submission).

Conditions:
Retinitis pigmentosa 78 (RP78). Identifiers: MedGen C4479481, MONDO:0044314, OMIM 617433.

gnomAD v4.1: 5 of 1,234,536 alleles (0.00041%); highest among the groups gnomAD compares: South Asian, 0.02%; no homozygotes.

Submission:

Neuberg Centre For Genomic Medicine, NCGM
Classification: Likely pathogenic for Retinitis pigmentosa 78. Review status: criteria provided, single submitter. Criteria: ACMG Guidelines, 2015. Collection method: clinical testing. Allele origin: germline. Inheritance: Autosomal recessive inheritance. Affected: yes.
Comment: The splice donor c.328+1G>T variant in the ARHGEF18 gene has not been reported previously as a pathogenic variant nor as a benign variant, to our knowledge. This variant is absent in the gnomAD Exomes. This variant change affects the donor splice site in intron 3 of the ARHGEF18 gene. Loss of function variants has been previously reported to be disease causing Arno et al., 2017. For these reasons, this variant has been classified as Likely Pathogenic.

NM_001367823.1(ARHGEF18):c.275+1G>T

Gene: ARHGEF18 (Rho/Rac guanine nucleotide exchange factor 18; plus strand). Cytogenetic location: 19p13.2.
Variant type: single nucleotide variant.
Coding change: c.275+1G>T on transcript NM_001367823.1 (MANE Select); the canonical splice donor site of the intron after coding-DNA position 275, G replaced by T.
Molecular consequence: splice donor variant.
Genome position (GRCh38, 1-based): chr19:7,373,072, G>T. VCF-style: chr19-7373072-G-T. GRCh37 (hg19) VCF-style: chr19-7437958-G-T.
Identifiers: ClinVar variation 3393420 (VCV003393420.1).